The following is an entry in ClinVar:

ClinVar aggregate classification (germline): Uncertain significance (1 of 4 stars; one submission).

Allele frequency attached by ClinVar (database versions not stated): gnomAD exomes below 0.00001.
gnomAD v4.1: 2 of 1,608,156 alleles (0.00012%); highest among the groups gnomAD compares: Non-Finnish European, 0.00017%; no homozygotes.

Submission:

Labcorp Genetics (formerly Invitae), Labcorp
Classification: Uncertain significance. Last evaluated: 2021-08-31. Review status: criteria provided, single submitter. Criteria: Invitae Variant Classification Sherloc (09022015). Collection method: clinical testing. Allele origin: germline.
Comment: This sequence change replaces tyrosine with cysteine at codon 822 of the PTPN23 protein (p.Tyr822Cys). The tyrosine residue is weakly conserved and there is a large physicochemical difference between tyrosine and cysteine. This variant is not present in population databases (ExAC no frequency). This variant has not been reported in the literature in individuals affected with PTPN23-related conditions. Algorithms developed to predict the effect of missense changes on protein structure and function are either unavailable or do not agree on the potential impact of this missense change (SIFT: "Tolerated"; PolyPhen-2: "Not Available"; Align-GVGD: "Class C0"). In summary, the available evidence is currently insufficient to determine the role of this variant in disease. Therefore, it has been classified as a Variant of Uncertain Significance.

NM_015466.4(PTPN23):c.2465A>G (p.Tyr822Cys)

Gene: PTPN23 (protein tyrosine phosphatase non-receptor type 23; plus strand). Cytogenetic location: 3p21.31.
Variant type: single nucleotide variant.
Coding change: c.2465A>G on transcript NM_015466.4 (MANE Select); coding-DNA position 2465, A replaced by G.
Protein change: p.Tyr822Cys; replaces tyrosine 822 with cysteine.
Molecular consequence: missense variant.
Genome position (GRCh38, 1-based): chr3:47,410,263, A>G. VCF-style: chr3-47410263-A-G. GRCh37 (hg19) VCF-style: chr3-47451753-A-G.
Other names: c.2087A>G, p.Tyr696Cys (NM_001304482.2); short protein forms Y696C, Y822C.
Identifiers: ClinVar variation 1354804 (VCV001354804.5), dbSNP rs1576229984, ClinGen allele CA352559025.
Genomic context (GRCh38, chr3:47,410,263, plus strand): 5'-TGATACAGCCCAGGGCCCCAGGGCCCCATGCAATGCCCGTAGCACCTGGGCCTGCCCTCT[A>G]CCCAGCCCCTGCCTACACACCGGAGCTGGGCCTTGTGCCCCGATCCTCCCCACAGCATGG-3'
Protein context (NP_056281.1, residues 812-832): AMPVAPGPAL[Tyr822Cys]PAPAYTPELG